The following is an entry in ClinVar:

NM_025137.4(SPG11):c.3067G>T (p.Glu1023Ter)

Gene: SPG11 (SPG11 vesicle trafficking associated, spatacsin; minus strand). Cytogenetic location: 15q21.1.
Variant type: single nucleotide variant.
Coding change: c.3067G>T on transcript NM_025137.4 (MANE Select); coding-DNA position 3067, G replaced by T.
Protein change: p.Glu1023Ter; replaces glutamic acid 1023 with a stop codon.
Molecular consequence: nonsense.
Genome position (GRCh38, 1-based): chr15:44,613,508, C>A on the plus strand (G>T on the coding strand, the complement: SPG11 is on the minus strand). VCF-style: chr15-44613508-C-A. GRCh37 (hg19) VCF-style: chr15-44905706-C-A.
Other names: c.3067G>T, p.Glu1023Ter (NM_001160227.2, NM_001411132.1); short protein forms E1023*.
Identifiers: ClinVar variation 2829473 (VCV002829473.3), dbSNP rs2505501210, ClinGen allele CA392228714.

ClinVar aggregate classification (germline): Pathogenic (1 of 4 stars; one submission).

Conditions:
Hereditary spastic paraplegia 11. Also called: SPASTIC PARAPLEGIA, AUTOSOMAL RECESSIVE, COMPLICATED, WITH THIN CORPUS CALLOSUM; SPASTIC PARAPLEGIA, AUTOSOMAL RECESSIVE, WITH MENTAL IMPAIRMENT AND THIN CORPUS CALLOSUM; Spastic paraplegia, mental retardation and thin corpus callosum; Spastic Paraplegia 11; Nakamura Osame syndrome; Autosomal recessive hereditary spastic paraplegia, mental impairment, and thin corpus callosum. Identifiers: Orphanet 2822, MedGen C1858479, MONDO:0011445, OMIM 604360.

gnomAD v4.1: 1 of 1,612,576 alleles (0.000062%); no homozygotes.

Submission:

Labcorp Genetics (formerly Invitae), Labcorp
Classification: Pathogenic for Hereditary spastic paraplegia 11. Last evaluated: 2024-03-12. Review status: criteria provided, single submitter. Criteria: Invitae Variant Classification Sherloc (09022015). Collection method: clinical testing. Allele origin: germline.
Comment: This sequence change creates a premature translational stop signal (p.Glu1023*) in the SPG11 gene. It is expected to result in an absent or disrupted protein product. Loss-of-function variants in SPG11 are known to be pathogenic (PMID: 19105190, 20110243, 22154821, 26556829). This variant is not present in population databases (gnomAD no frequency). This variant has not been reported in the literature in individuals affected with SPG11-related conditions. Algorithms developed to predict the effect of sequence changes on RNA splicing suggest that this variant may disrupt the consensus splice site. For these reasons, this variant has been classified as Pathogenic.

Literature cited by the submitters: PubMed 19105190; PubMed 20110243; PubMed 22154821; PubMed 26556829.